The following is an entry in ClinVar:

ClinVar aggregate classification (germline): Benign (3 of 4 stars; one submission).

Conditions:
Breast-ovarian cancer, familial, susceptibility to, 2 (BROVCA2). Also called: BRCA2 Hereditary Breast and Ovarian Cancer. Identifiers: Orphanet 145, MedGen C2675520, MONDO:0012933, OMIM 612555. Disease mechanism: loss of function.

Allele frequency attached by ClinVar (database versions not stated): 1000 Genomes Project 30x 0.00687; 1000 Genomes Project 0.00699; TOPMed 0.01423; gnomAD 0.01601 and 0.01640.
gnomAD v4.1: 2,403 of 151,068 alleles (1.6%); highest among the groups gnomAD compares: Non-Finnish European, 2.5%; 29 homozygotes.

Submission:

Evidence-based Network for the Interpretation of Germline Mutant Alleles (ENIGMA)
Classification: Benign for Breast-ovarian cancer, familial 2. Last evaluated: 2015-01-12. Review status: reviewed by expert panel. Criteria: ENIGMA BRCA1/2 Classification Criteria (2015). Collection method: curation. Allele origin: germline.
Comment: Class 1 not pathogenic based on frequency >1% in an outbred sampleset. Frequency 0.03034 (European), derived from 1000 genomes (2012-04-30).

NM_000059.4(BRCA2):c.8332-1824C>T

Gene: BRCA2 (BRCA2 DNA repair associated; plus strand). Cytogenetic location: 13q13.1.
Variant type: single nucleotide variant.
Coding change: c.8332-1824C>T on transcript NM_000059.4 (MANE Select); 1824 bases into the intron before coding-DNA position 8332, C replaced by T.
Molecular consequence: intron variant.
Genome position (GRCh38, 1-based): chr13:32,368,578, C>T. VCF-style: chr13-32368578-C-T. GRCh37 (hg19) VCF-style: chr13-32942715-C-T.
Other names: IVS 18-1824C>T.
Identifiers: ClinVar variation 209803 (VCV000209803.1), dbSNP rs118187652, ClinGen allele CA276771.